The following is an entry in ClinVar:

NM_004064.5(CDKN1B):c.375T>C (p.Ser125=)

Gene: CDKN1B (cyclin dependent kinase inhibitor 1B; plus strand). Cytogenetic location: 12p13.1.
Variant type: single nucleotide variant.
Coding change: c.375T>C on transcript NM_004064.5 (MANE Select); coding-DNA position 375, T replaced by C.
Protein change: p.Ser125=; no amino-acid change (serine 125 retained).
Molecular consequence: synonymous variant.
Genome position (GRCh38, 1-based): chr12:12,718,214, T>C. VCF-style: chr12-12718214-T-C. GRCh37 (hg19) VCF-style: chr12-12871148-T-C.
Identifiers: ClinVar variation 1628737 (VCV001628737.16), dbSNP rs2136356327, ClinGen allele CA478845739.

ClinVar aggregate classification (germline): Likely benign. Review status: criteria provided, multiple submitters, no conflicts (2 of 4 stars). 2 submissions from 2 submitters: Likely benign (2). Last evaluated 2025-08-01.

Conditions:
Multiple endocrine neoplasia type 4. Also called: MULTIPLE ENDOCRINE NEOPLASIA, TYPE IV. Identifiers: Orphanet 276152, MedGen C1970712, MONDO:0012552, OMIM 610755.

Submissions (2):

CeGaT Center for Human Genetics Tuebingen
Classification: Likely benign. Last evaluated: 2025-08-01. Review status: criteria provided, single submitter. Criteria: CeGaT Center For Human Genetics Tuebingen Variant Classification Criteria Version 2. Collection method: clinical testing. Allele origin: germline. Affected: yes. Observed: 1 variant allele.
Comment: CDKN1B: PM2:Supporting, BP4, BP7

Labcorp Genetics (formerly Invitae), Labcorp
Classification: Likely benign for Multiple endocrine neoplasia type 4. Last evaluated: 2020-12-02. Review status: criteria provided, single submitter. Criteria: Invitae Variant Classification Sherloc (09022015). Collection method: clinical testing. Allele origin: germline.